The following is an entry in ClinVar:

ClinVar aggregate classification (germline): Benign. Review status: criteria provided, multiple submitters, no conflicts (2 of 4 stars). 3 submissions from 3 submitters: Benign (2). 1 of the submissions does not count toward it. Last evaluated 2026-02-03.

Conditions:
WNT9B-related disorder. Also called: WNT9B-related condition.

Allele frequency attached by ClinVar (database versions not stated): gnomAD exomes 0.73638 and 0.70462; 1000 Genomes Project 0.70707; gnomAD 0.78616 and 0.77881; 1000 Genomes Project 30x 0.71471; ExAC 0.71474; TOPMed 0.76892; ESP Exome Variant Server 0.79145.
gnomAD v4.1: 1,177,411 of 1,590,790 alleles (74%); highest among the groups gnomAD compares: African/African-American, 91%; 434,800 homozygotes.

Submissions (3):

Labcorp Genetics (formerly Invitae), Labcorp
Classification: Benign. Last evaluated: 2026-02-03. Review status: criteria provided, single submitter. Criteria: Invitae Variant Classification Sherloc (09022015). Collection method: clinical testing. Allele origin: germline.

Breakthrough Genomics
Classification: Benign. Review status: criteria provided, single submitter. Criteria: ACMG Guidelines, 2015. Collection method: not provided. Allele origin: germline. Inheritance: Unknown mechanism. Affected: yes.

PreventionGenetics, part of Exact Sciences
Classification: Benign for WNT9B-related condition. Last evaluated: 2019-10-16. Review status: no assertion criteria provided. Collection method: clinical testing. Allele origin: germline. Not counted in ClinVar's aggregate classification.
Comment: This variant is classified as benign based on ACMG/AMP sequence variant interpretation guidelines (Richards et al. 2015 PMID: 25741868, with internal and published modifications).

NM_003396.3(WNT9B):c.317T>C (p.Met106Thr)

Genes: LRRC37A2 (leucine rich repeat containing 37 member A2), WNT9B (Wnt family member 9B; plus strand). Cytogenetic location: 17q21.32.
Variant type: single nucleotide variant.
Coding change: c.317T>C on transcript NM_003396.3 (MANE Select); coding-DNA position 317, T replaced by C.
Protein change: p.Met106Thr; replaces methionine 106 with threonine.
Molecular consequence: missense variant.
Genome position (GRCh38, 1-based): chr17:46,872,756, T>C. VCF-style: chr17-46872756-T-C. GRCh37 (hg19) VCF-style: chr17-44950122-T-C.
Other names: c.317T>C (NM_003396.2); c.317T>C, p.Met106Thr (NM_001320458.2); short protein forms M106T.
Identifiers: ClinVar variation 1598959 (VCV001598959.11), dbSNP rs4968281, ClinGen allele CA8620817.
Genomic context (GRCh38, chr17:46,872,756, plus strand): 5'-TGCTTGAGTGCCAGTTTCAGTTCCGGCATGAGCGCTGGAACTGTAGCCTGGAGGGCAGGA[T>C]GGGCCTGCTCAAGAGAGGTGGGGAGGAGGGCTAGGGGACGGGGAGGGCTGGGGGAAGAAG-3'
Protein context (NP_003387.1, residues 96-116): ERWNCSLEGR[Met106Thr]GLLKRGFKET